The following is an entry in ClinVar:

NM_002137.4(HNRNPA2B1):c.728A>G (p.Asn243Ser)

Gene: HNRNPA2B1 (heterogeneous nuclear ribonucleoprotein A2/B1; minus strand). Cytogenetic location: 7p15.2.
Variant type: single nucleotide variant.
Coding change: c.728A>G on transcript NM_002137.4 (MANE Select); coding-DNA position 728, A replaced by G.
Protein change: p.Asn243Ser; replaces asparagine 243 with serine.
Molecular consequence: missense variant.
Genome position (GRCh38, 1-based): chr7:26,193,688, T>C on the plus strand (A>G on the coding strand, the complement: HNRNPA2B1 is on the minus strand). VCF-style: chr7-26193688-T-C. GRCh37 (hg19) VCF-style: chr7-26233308-T-C.
Other names: c.764A>G, p.Asn255Ser (NM_031243.4); short protein forms N255S, N243S.
Identifiers: ClinVar variation 3012315 (VCV003012315.3), dbSNP rs1292889600, ClinGen allele CA367074468.

ClinVar aggregate classification (germline): Uncertain significance (1 of 4 stars; one submission).

Conditions:
Inclusion body myopathy with early-onset Paget disease with or without frontotemporal dementia 2 (IBMPFD2). Also called: MULTISYSTEM PROTEINOPATHY 2. Identifiers: MedGen C3809468, MONDO:0014178, OMIM 615422.

Allele frequency attached by ClinVar (database versions not stated): gnomAD exomes below 0.00001; TOPMed below 0.00001; gnomAD 0.00001.
gnomAD v4.1: 3 of 1,611,414 alleles (0.00019%); highest among the groups gnomAD compares: Non-Finnish European, 0.00025%; no homozygotes.

Submission:

Labcorp Genetics (formerly Invitae), Labcorp
Classification: Uncertain significance for Inclusion body myopathy with early-onset Paget disease with or without frontotemporal dementia 2. Last evaluated: 2023-10-05. Review status: criteria provided, single submitter. Criteria: Invitae Variant Classification Sherloc (09022015). Collection method: clinical testing. Allele origin: germline.
Comment: This sequence change replaces asparagine, which is neutral and polar, with serine, which is neutral and polar, at codon 255 of the HNRNPA2B1 protein (p.Asn255Ser). This variant is present in population databases (no rsID available, gnomAD 0.007%). This variant has not been reported in the literature in individuals affected with HNRNPA2B1-related conditions. Advanced modeling of protein sequence and biophysical properties (such as structural, functional, and spatial information, amino acid conservation, physicochemical variation, residue mobility, and thermodynamic stability) performed at Invitae indicates that this missense variant is not expected to disrupt HNRNPA2B1 protein function. In summary, the available evidence is currently insufficient to determine the role of this variant in disease. Therefore, it has been classified as a Variant of Uncertain Significance.